The following is an entry in ClinVar:

NM_000077.5(CDKN2A):c.461T>A (p.Ile154Asn)

Gene: CDKN2A (cyclin dependent kinase inhibitor 2A; minus strand). Cytogenetic location: 9p21.3.
Variant type: single nucleotide variant.
Coding change: c.461T>A on transcript NM_000077.5; coding-DNA position 461, T replaced by A.
Protein change: p.Ile154Asn; replaces isoleucine 154 with asparagine.
Molecular consequence: missense variant (on NM_000077.6). On other transcripts: 3 prime UTR variant (3).
Genome position (GRCh38, 1-based): chr9:21,968,239, A>T on the plus strand (T>A on the coding strand, the complement: CDKN2A is on the minus strand). VCF-style: chr9-21968239-A-T. GRCh37 (hg19) VCF-style: chr9-21968238-A-T.
Other names: c.461T>A, p.Ile154Asn (NM_000077.6); c.*154T>A (NM_001195132.2); c.308T>A, p.Ile103Asn (NM_001363763.2); c.*105T>A (NM_058195.4); c.*384T>A (NM_058197.5); short protein forms I154N, I103N.
Identifiers: ClinVar variation 491579 (VCV000491579.17), dbSNP rs1554653284, ClinGen allele CA373085076.

ClinVar aggregate classification (germline): Uncertain significance. Review status: criteria provided, multiple submitters, no conflicts (2 of 4 stars). 4 submissions from 4 submitters: Uncertain significance (4). Last evaluated 2025-08-28.

Conditions:
Familial melanoma. Also called: Hereditary melanoma; Hereditary cutaneous melanoma. Identifiers: Orphanet 618, MedGen C1512419, MONDO:0018961.
Hereditary cancer-predisposing syndrome. Also called: Tumor predisposition; Hereditary Cancer Syndrome; Neoplastic Syndromes, Hereditary; Hereditary neoplastic syndrome. Identifiers: Orphanet 140162, MedGen C0027672, MeSH D009386, MONDO:0015356.

Allele frequency attached by ClinVar (database versions not stated): gnomAD exomes 0.00001.
gnomAD v4.1: 6 of 1,613,668 alleles (0.00037%); highest among the groups gnomAD compares: East Asian, 0.013%; no homozygotes.

Submissions (4):

Ambry Genetics
Classification: Uncertain significance for Hereditary cancer-predisposing syndrome. Last evaluated: 2025-08-28. Review status: criteria provided, single submitter. Criteria: Ambry Variant Classification Scheme 2023. Collection method: clinical testing. Allele origin: germline.
Comment: The p.I154N variant (also known as c.461T>A), located in coding exon 3 of the CDKN2A gene, results from a T to A substitution at nucleotide position 461. The isoleucine at codon 154 is replaced by asparagine, an amino acid with dissimilar properties. This amino acid position is poorly conserved in available vertebrate species. In addition, the in silico prediction for this alteration is inconclusive. Based on the available evidence, the clinical significance of this variant remains unclear.

Labcorp Genetics (formerly Invitae), Labcorp
Classification: Uncertain significance for Familial melanoma. Last evaluated: 2025-02-19. Review status: criteria provided, single submitter. Criteria: Invitae Variant Classification Sherloc (09022015). Collection method: clinical testing. Allele origin: germline.
Comment: This sequence change replaces isoleucine, which is neutral and non-polar, with asparagine, which is neutral and polar, at codon 154 of the CDKN2A (p16INK4a) protein (p.Ile154Asn). This variant is not present in population databases (gnomAD no frequency). This variant has not been reported in the literature in individuals affected with CDKN2A (p16INK4a)-related conditions. ClinVar contains an entry for this variant (Variation ID: 491579). An algorithm developed to predict the effect of missense changes on protein structure and function outputs the following: PolyPhen-2: "Benign". The asparagine amino acid residue is found in multiple mammalian species, which suggests that this missense change does not adversely affect protein function. In summary, the available evidence is currently insufficient to determine the role of this variant in disease. Therefore, it has been classified as a Variant of Uncertain Significance.

Women's Health and Genetics/Laboratory Corporation of America, LabCorp
Classification: Uncertain significance. Last evaluated: 2020-11-19. Review status: criteria provided, single submitter. Criteria: LabCorp Variant Classification Summary - May 2015. Collection method: clinical testing. Allele origin: germline.
Comment: Variant summary: CDKN2A c.461T>A (p.Ile154Asn) results in a non-conservative amino acid change in the encoded protein sequence. Three of five in-silico tools predict a benign effect of the variant on protein function. The variant was absent in 251192 control chromosomes (gnomAD). The available data on variant occurrences in the general population are insufficient to allow any conclusion about variant significance. c.461T>A has been reported in the literature in homozygous state in SCC4 cell line (Nichols _2012). This report however, does not provide unequivocal conclusions about association of the variant with Cutaneous Malignant Melanoma. To our knowledge, no experimental evidence demonstrating an impact on protein function has been reported. Two ClinVar submitters (evaluation after 2014) cite the variant as uncertain significance. Based on the evidence outlined above, the variant was classified as uncertain significance.

Color Diagnostics, LLC DBA Color Health
Classification: Uncertain significance for Hereditary cancer-predisposing syndrome. Last evaluated: 2018-09-30. Review status: criteria provided, single submitter. Criteria: ACMG Guidelines, 2015. Collection method: clinical testing. Allele origin: germline.

Literature cited by the submitters: PubMed 22911296 (cited by Women's Health and Genetics/Laboratory Corporation of America, LabCorp).